The following is an entry in ClinVar:

NM_005751.5(AKAP9):c.9683A>G (p.Lys3228Arg)

Gene: AKAP9 (A-kinase anchoring protein 9; plus strand). Cytogenetic location: 7q21.2.
Variant type: single nucleotide variant.
Coding change: c.9683A>G on transcript NM_005751.5 (MANE Select); coding-DNA position 9683, A replaced by G.
Protein change: p.Lys3228Arg; replaces lysine 3228 with arginine.
Molecular consequence: missense variant.
Genome position (GRCh38, 1-based): chr7:92,095,127, A>G. VCF-style: chr7-92095127-A-G. GRCh37 (hg19) VCF-style: chr7-91724441-A-G.
Other names: c.4328A>G, p.Lys1443Arg (NM_001379277.1); c.9659A>G, p.Lys3220Arg (NM_147185.3); short protein forms K3220R, K3228R, K1443R.
Identifiers: ClinVar variation 658486 (VCV000658486.9), dbSNP rs368263036, ClinGen allele CA4337818.

ClinVar aggregate classification (germline): Conflicting classifications of pathogenicity. Review status: criteria provided, conflicting classifications (1 of 4 stars). 3 submissions from 3 submitters: Uncertain significance (2); Likely benign (1). Last evaluated 2026-01-05.

Conditions:
Long QT syndrome (LQTS). Identifiers: MedGen C0023976, MeSH D008133, MONDO:0002442. Disease mechanism: loss of function. Inheritance: Various modes of inheritance.
Cardiovascular phenotype. Identifiers: MedGen CN230736.

Allele frequency attached by ClinVar (database versions not stated): gnomAD 0.00002; gnomAD exomes 0.00002 and 0.00003; TOPMed 0.00002; ExAC 0.00006; ESP Exome Variant Server 0.00008; 1000 Genomes Project 0.00020; 1000 Genomes Project 30x 0.00031.
gnomAD v4.1: 36 of 1,614,204 alleles (0.0022%); highest among the groups gnomAD compares: Middle Eastern, 0.033%; no homozygotes.

Submissions (3):

Labcorp Genetics (formerly Invitae), Labcorp
Classification: Uncertain significance for Long QT syndrome. Last evaluated: 2026-01-05. Review status: criteria provided, single submitter. Criteria: Invitae Variant Classification Sherloc (09022015). Collection method: clinical testing. Allele origin: germline.
Comment: This sequence change replaces lysine, which is basic and polar, with arginine, which is basic and polar, at codon 3228 of the AKAP9 protein (p.Lys3228Arg). This variant is present in population databases (rs368263036, gnomAD 0.006%). This variant has not been reported in the literature in individuals affected with AKAP9-related conditions. ClinVar contains an entry for this variant (Variation ID: 658486). An algorithm developed to predict the effect of missense changes on protein structure and function (PolyPhen-2) suggests that this variant is likely to be disruptive. In summary, the available evidence is currently insufficient to determine the role of this variant in disease. Therefore, it has been classified as a Variant of Uncertain Significance.

Blueprint Genetics
Classification: Likely benign. Last evaluated: 2024-10-16. Review status: criteria provided, single submitter. Criteria: ACMG Guidelines, 2015. Collection method: clinical testing. Allele origin: germline.

Ambry Genetics
Classification: Uncertain significance for Cardiovascular phenotype. Last evaluated: 2024-01-01. Review status: criteria provided, single submitter. Criteria: Ambry Variant Classification Scheme 2023. Collection method: clinical testing. Allele origin: germline.
Comment: The p.K3228R variant (also known as c.9683A>G), located in coding exon 40 of the AKAP9 gene, results from an A to G substitution at nucleotide position 9683. The lysine at codon 3228 is replaced by arginine, an amino acid with highly similar properties. This amino acid position is conserved. In addition, this alteration is predicted to be tolerated by in silico analysis. Since supporting evidence is limited at this time, the clinical significance of this alteration remains unclear.